The following is an entry in ClinVar:

NM_001943.5(DSG2):c.1306A>C (p.Asn436His)

Gene: DSG2 (desmoglein 2; plus strand). Cytogenetic location: 18q12.1.
Variant type: single nucleotide variant.
Coding change: c.1306A>C on transcript NM_001943.5 (MANE Select); coding-DNA position 1306, A replaced by C.
Protein change: p.Asn436His; replaces asparagine 436 with histidine.
Molecular consequence: missense variant.
Genome position (GRCh38, 1-based): chr18:31,535,295, A>C. VCF-style: chr18-31535295-A-C. GRCh37 (hg19) VCF-style: chr18-29115258-A-C.
Other names: short protein forms N436H.
Identifiers: ClinVar variation 3603722 (VCV003603722.2).

ClinVar aggregate classification (germline): Uncertain significance (1 of 4 stars; one submission).

Conditions:
Arrhythmogenic right ventricular dysplasia 10. Also called: Arrhythmogenic Right Ventricular Dysplasia/Cardiomyopathy10; ARRHYTHMOGENIC RIGHT VENTRICULAR DYSPLASIA, FAMILIAL, 10; Arrhythmogenic right ventricular dysplasia/cardiomyopathy, type 10. Identifiers: MedGen C1857777, MONDO:0012434, OMIM 610193.

Submission:

Labcorp Genetics (formerly Invitae), Labcorp
Classification: Uncertain significance for Arrhythmogenic right ventricular dysplasia 10. Last evaluated: 2025-01-27. Review status: criteria provided, single submitter. Criteria: Invitae Variant Classification Sherloc (09022015). Collection method: clinical testing. Allele origin: germline.
Comment: This sequence change replaces asparagine, which is neutral and polar, with histidine, which is basic and polar, at codon 436 of the DSG2 protein (p.Asn436His). This variant is not present in population databases (gnomAD no frequency). This variant has not been reported in the literature in individuals affected with DSG2-related conditions. Invitae Evidence Modeling of protein sequence and biophysical properties (such as structural, functional, and spatial information, amino acid conservation, physicochemical variation, residue mobility, and thermodynamic stability) indicates that this missense variant is not expected to disrupt DSG2 protein function with a negative predictive value of 95%. In summary, the available evidence is currently insufficient to determine the role of this variant in disease. Therefore, it has been classified as a Variant of Uncertain Significance.